The following is an entry in ClinVar:

NM_006892.4(DNMT3B):c.921+5C>A

Gene: DNMT3B (DNA methyltransferase 3 beta; plus strand). Cytogenetic location: 20q11.21.
Variant type: single nucleotide variant.
Coding change: c.921+5C>A on transcript NM_006892.4 (MANE Select); 5 bases into the intron after coding-DNA position 921, C replaced by A.
Molecular consequence: intron variant.
Genome position (GRCh38, 1-based): chr20:32,791,713, C>A. VCF-style: chr20-32791713-C-A. GRCh37 (hg19) VCF-style: chr20-31379519-C-A.
Other names: c.921+5C>A (NM_175848.2, NM_175849.2); c.795+5C>A (NM_001207055.2); c.693+5C>A (NM_001207056.2); c.957+5C>A (NM_175850.3).
Identifiers: ClinVar variation 2060265 (VCV002060265.2), dbSNP rs774043887, ClinGen allele CA9810333.

ClinVar aggregate classification (germline): Uncertain significance (1 of 4 stars; one submission).

Conditions:
Centromeric instability of chromosomes 1,9 and 16 and immunodeficiency (ICF1). Also called: IMMUNE DEFICIENCY, VARIABLE, WITH CENTROMERIC INSTABILITY OF CHROMOSOMES 1, 9, AND 16; IMMUNODEFICIENCY SYNDROME, VARIABLE; CENTROMERIC INSTABILITY, IMMUNODEFICIENCY SYNDROME; Immunodeficiency-centromeric instability-facial anomalies. Identifiers: Orphanet 2268, MedGen C0398788, MONDO:0000133.

Allele frequency attached by ClinVar (database versions not stated): ExAC 0.00001; gnomAD exomes 0.00001.

Submission:

Labcorp Genetics (formerly Invitae), Labcorp
Classification: Uncertain significance for Centromeric instability of chromosomes 1,9 and 16 and immunodeficiency. Last evaluated: 2022-09-19. Review status: criteria provided, single submitter. Criteria: Invitae Variant Classification Sherloc (09022015). Collection method: clinical testing. Allele origin: germline.
Comment: In summary, the available evidence is currently insufficient to determine the role of this variant in disease. Therefore, it has been classified as a Variant of Uncertain Significance. Variants that disrupt the consensus splice site are a relatively common cause of aberrant splicing (PMID: 17576681, 9536098). Algorithms developed to predict the effect of sequence changes on RNA splicing suggest that this variant is not likely to affect RNA splicing. This variant has not been reported in the literature in individuals affected with DNMT3B-related conditions. This variant is present in population databases (rs774043887, gnomAD 0.006%). This sequence change falls in intron 8 of the DNMT3B gene. It does not directly change the encoded amino acid sequence of the DNMT3B protein. It affects a nucleotide within the consensus splice site.

Literature cited by the submitters: PubMed 17576681; PubMed 9536098.